The following is an entry in ClinVar:

ClinVar aggregate classification (germline): Uncertain significance (1 of 4 stars; one submission).

Submission:

CeGaT Center for Human Genetics Tuebingen
Classification: Uncertain significance. Last evaluated: 2024-10-01. Review status: criteria provided, single submitter. Criteria: CeGaT Center For Human Genetics Tuebingen Variant Classification Criteria Version 2. Collection method: clinical testing. Allele origin: germline. Affected: yes. Observed: 1 variant allele.
Comment: TAP2: PM2

NM_001290043.2(TAP2):c.758T>G (p.Leu253Arg)

Gene: TAP2 (transporter 2, ATP binding cassette subfamily B member; minus strand). Cytogenetic location: 6p21.32.
Variant type: single nucleotide variant.
Coding change: c.758T>G on transcript NM_001290043.2 (MANE Select); coding-DNA position 758, T replaced by G.
Protein change: p.Leu253Arg; replaces leucine 253 with arginine.
Molecular consequence: missense variant.
Genome position (GRCh38, 1-based): chr6:32,835,341, A>C on the plus strand (T>G on the coding strand, the complement: TAP2 is on the minus strand). VCF-style: chr6-32835341-A-C. GRCh37 (hg19) VCF-style: chr6-32803118-A-C.
Other names: c.758T>G, p.Leu253Arg (NM_018833.3); short protein forms L253R.
Identifiers: ClinVar variation 3389189 (VCV003389189.14).